The following is an entry in ClinVar:

ClinVar aggregate classification (germline): Benign/Likely benign. Review status: criteria provided, multiple submitters, no conflicts (2 of 4 stars). 6 submissions from 6 submitters: Benign (4); Likely benign (1). 1 of the submissions does not count toward it. Last evaluated 2026-01-26.

Conditions:
HOMER2-related disorder. Also called: HOMER2-related condition.

Allele frequency attached by ClinVar (database versions not stated): 1000 Genomes Project 0.00559; 1000 Genomes Project 30x 0.00562; gnomAD 0.01048 and 0.01083; gnomAD exomes 0.01078; ExAC 0.01106; TOPMed 0.01124; ESP Exome Variant Server 0.01393.
gnomAD v4.1: 23,749 of 1,590,908 alleles (1.5%); highest among the groups gnomAD compares: Non-Finnish European, 1.8%; 183 homozygotes.

Submissions (6):

Labcorp Genetics (formerly Invitae), Labcorp
Classification: Benign. Last evaluated: 2026-01-26. Review status: criteria provided, single submitter. Criteria: Invitae Variant Classification Sherloc (09022015). Collection method: clinical testing. Allele origin: germline.

Blueprint Genetics
Classification: Likely benign. Last evaluated: 2024-11-25. Review status: criteria provided, single submitter. Criteria: ACMG Guidelines, 2015. Collection method: clinical testing. Allele origin: germline.

Mayo Clinic Laboratories, Mayo Clinic
Classification: Benign. Last evaluated: 2020-12-03. Review status: criteria provided, single submitter. Criteria: ACMG Guidelines, 2015. Collection method: clinical testing. Allele origin: germline. Observed: 5 variant alleles.

Athena Diagnostics
Classification: Benign. Last evaluated: 2018-11-16. Review status: criteria provided, single submitter. Criteria: Athena Diagnostics Criteria. Collection method: clinical testing. Allele origin: germline.

GeneDx
Classification: Benign. Last evaluated: 2018-02-09. Review status: criteria provided, single submitter. Criteria: GeneDx Variant Classification (06012015). Collection method: clinical testing. Allele origin: germline. Affected: yes.
Comment: This variant is considered likely benign or benign based on one or more of the following criteria: it is a conservative change, it occurs at a poorly conserved position in the protein, it is predicted to be benign by multiple in silico algorithms, and/or has population frequency not consistent with disease.

PreventionGenetics, part of Exact Sciences
Classification: Benign for HOMER2-related condition. Last evaluated: 2019-09-04. Review status: no assertion criteria provided. Collection method: clinical testing. Allele origin: germline. Not counted in ClinVar's aggregate classification.
Comment: This variant is classified as benign based on ACMG/AMP sequence variant interpretation guidelines (Richards et al. 2015 PMID: 25741868, with internal and published modifications).

NM_004839.4(HOMER2):c.387+6A>T

Gene: HOMER2 (homer scaffold protein 2; minus strand). Cytogenetic location: 15q25.2.
Variant type: single nucleotide variant.
Coding change: c.387+6A>T on transcript NM_004839.4 (MANE Select); 6 bases into the intron after coding-DNA position 387, A replaced by T.
Molecular consequence: intron variant.
Genome position (GRCh38, 1-based): chr15:82,864,161, T>A on the plus strand (A>T on the coding strand, the complement: HOMER2 is on the minus strand). VCF-style: chr15-82864161-T-A. GRCh37 (hg19) VCF-style: chr15-83532913-T-A.
Other names: p.?; c.387+6A>T (NM_004839.3, NM_199330.3).
Identifiers: ClinVar variation 508588 (VCV000508588.14), dbSNP rs78459107, ClinGen allele CA7702202.